The following is an entry in ClinVar:

NM_032242.4(PLXNA1):c.142G>A (p.Asp48Asn)

Gene: PLXNA1 (plexin A1; plus strand). Cytogenetic location: 3q21.3.
Variant type: single nucleotide variant.
Coding change: c.142G>A on transcript NM_032242.4 (MANE Select); coding-DNA position 142, G replaced by A.
Protein change: p.Asp48Asn; replaces aspartic acid 48 with asparagine.
Molecular consequence: missense variant.
Genome position (GRCh38, 1-based): chr3:126,988,735, G>A. VCF-style: chr3-126988735-G-A. GRCh37 (hg19) VCF-style: chr3-126707578-G-A.
Other names: short protein forms D48N.
Identifiers: ClinVar variation 2632006 (VCV002632006.2), dbSNP rs764260543, ClinGen allele CA2592920.
Genomic context (GRCh38, chr3:126,988,735, plus strand): 5'-GCAGGCTTGCCCAGGGCAGGCGGGGGTTCACAGCCCCCCTTCCGCACCTTCTCGGCCAGC[G>A]ACTGGGGCCTCACCCACCTAGTGGTGCATGAGCAGACAGGCGAGGTGTATGTGGGCGCAG-3'
Protein context (NP_115618.3, residues 38-58): QPPFRTFSAS[Asp48Asn]WGLTHLVVHE

ClinVar aggregate classification (germline): Uncertain significance (0 of 4 stars; one submission).

Conditions:
PLXNA1-related disorder. Also called: PLXNA1-related condition.

Allele frequency attached by ClinVar (database versions not stated): TOPMed 0.00007.
gnomAD v4.1: 32 of 1,585,204 alleles (0.002%); highest among the groups gnomAD compares: East Asian, 0.052%; no homozygotes.

Submission:

PreventionGenetics, part of Exact Sciences
Classification: Uncertain significance for PLXNA1-related condition. Last evaluated: 2024-09-04. Review status: no assertion criteria provided. Collection method: clinical testing. Allele origin: germline.
Comment: The PLXNA1 c.142G>A variant is predicted to result in the amino acid substitution p.Asp48Asn. To our knowledge, this variant has not been reported in the literature. This variant is reported in 0.13% of alleles in individuals of East Asian descent in gnomAD. Although we suspect that this variant may be benign, at this time, the clinical significance of this variant is uncertain due to the absence of conclusive functional and genetic evidence.